The following is an entry in ClinVar:

ClinVar aggregate classification (germline): Likely benign. Review status: criteria provided, single submitter (1 of 4 stars). 2 submissions from 2 submitters: Likely benign (1). 1 of the submissions does not count toward it. Last evaluated 2023-11-29.

Conditions:
Cardiovascular phenotype. Identifiers: MedGen CN230736.
MYL3-related disorder. Also called: MYL3-related condition.

Allele frequency attached by ClinVar (database versions not stated): TOPMed below 0.00001.

Submissions (2):

Ambry Genetics
Classification: Likely benign for Cardiovascular phenotype. Last evaluated: 2023-11-29. Review status: criteria provided, single submitter. Criteria: Ambry Variant Classification Scheme 2023. Collection method: clinical testing. Allele origin: germline.

PreventionGenetics, part of Exact Sciences
Classification: Likely benign for MYL3-related condition. Last evaluated: 2019-07-12. Review status: no assertion criteria provided. Collection method: clinical testing. Allele origin: germline. Not counted in ClinVar's aggregate classification.
Comment: This variant is classified as likely benign based on ACMG/AMP sequence variant interpretation guidelines (Richards et al. 2015 PMID: 25741868, with internal and published modifications).

NM_000258.3(MYL3):c.9C>T (p.Pro3=)

Gene: MYL3 (myosin light chain 3; minus strand). Cytogenetic location: 3p21.31.
Variant type: single nucleotide variant.
Coding change: c.9C>T on transcript NM_000258.3 (MANE Select); coding-DNA position 9, C replaced by T.
Protein change: p.Pro3=; no amino-acid change (proline 3 retained).
Molecular consequence: synonymous variant.
Genome position (GRCh38, 1-based): chr3:46,863,382, G>A on the plus strand (C>T on the coding strand, the complement: MYL3 is on the minus strand). VCF-style: chr3-46863382-G-A. GRCh37 (hg19) VCF-style: chr3-46904872-G-A.
Other names: c.9C>T, p.Pro3= (NM_001406937.1, NM_001406938.1, NM_001406939.1).
Identifiers: ClinVar variation 3050528 (VCV003050528.3), dbSNP rs397516280, ClinGen allele CA433474799.